The following is an entry in ClinVar:

NM_032638.5(GATA2):c.278C>A (p.Pro93Gln)

Gene: GATA2 (GATA binding protein 2; minus strand). Cytogenetic location: 3q21.3.
Variant type: single nucleotide variant.
Coding change: c.278C>A on transcript NM_032638.5 (MANE Select); coding-DNA position 278, C replaced by A.
Protein change: p.Pro93Gln; replaces proline 93 with glutamine.
Molecular consequence: missense variant.
Genome position (GRCh38, 1-based): chr3:128,486,320, G>T on the plus strand (C>A on the coding strand, the complement: GATA2 is on the minus strand). VCF-style: chr3-128486320-G-T. GRCh37 (hg19) VCF-style: chr3-128205163-G-T.
Other names: c.278C>A, p.Pro93Gln (NM_001145661.2, NM_001145662.1); short protein forms P93Q.
Identifiers: ClinVar variation 650629 (VCV000650629.11), dbSNP rs1269493584, ClinGen allele CA354407621.

ClinVar aggregate classification (germline): Uncertain significance. Review status: criteria provided, multiple submitters, no conflicts (2 of 4 stars). 2 submissions from 2 submitters: Uncertain significance (2). Last evaluated 2025-08-20.

Conditions:
Inborn genetic diseases. Identifiers: MedGen C0950123, MeSH D030342.
Monocytopenia with susceptibility to infections. Also called: IMMUNODEFICIENCY 21; GATA2 DEFICIENCY; MONOCYTOPENIA AND MYCOBACTERIAL INFECTION SYNDROME; MONOCYTOPENIA WITH SUSCEPTIBILITY TO MYCOBACTERIAL, FUNGAL, AND PAPILLOMAVIRUS INFECTIONS AND MYELODYSPLASIA; COMBINED IMMUNODEFICIENCY WITH SUSCEPTIBILITY TO MYCOBACTERIAL, VIRAL, AND FUNGAL INFECTIONS; Dendritic cell, monocyte, B lymphocyte, and natural killer lymphocyte deficiency. Identifiers: Orphanet 228423, MedGen C3280030, MONDO:0013607, OMIM 614172.
Deafness-lymphedema-leukemia syndrome. Also called: Lymphedema, primary, with myelodysplasia; Emberger syndrome. Identifiers: Orphanet 3226, MedGen C3279664, MONDO:0013540, OMIM 614038.

Submissions (2):

Ambry Genetics
Classification: Uncertain significance for Inborn genetic diseases. Last evaluated: 2025-08-20. Review status: criteria provided, single submitter. Criteria: Ambry Variant Classification Scheme 2023. Collection method: clinical testing. Allele origin: germline.
Comment: The p.P93Q variant (also known as c.278C>A), located in coding exon 2 of the GATA2 gene, results from a C to A substitution at nucleotide position 278. The proline at codon 93 is replaced by glutamine, an amino acid with similar properties. This amino acid position is highly conserved in available vertebrate species. In addition, this alteration is predicted to be deleterious by in silico analysis. Based on the available evidence, the clinical significance of this variant remains unclear.

Labcorp Genetics (formerly Invitae), Labcorp
Classification: Uncertain significance for Monocytopenia with susceptibility to infections; Deafness-lymphedema-leukemia syndrome. Last evaluated: 2023-11-17. Review status: criteria provided, single submitter. Criteria: Invitae Variant Classification Sherloc (09022015). Collection method: clinical testing. Allele origin: germline.
Comment: This sequence change replaces proline, which is neutral and non-polar, with glutamine, which is neutral and polar, at codon 93 of the GATA2 protein (p.Pro93Gln). This variant is not present in population databases (gnomAD no frequency). This variant has not been reported in the literature in individuals affected with GATA2-related conditions. ClinVar contains an entry for this variant (Variation ID: 650629). Advanced modeling of protein sequence and biophysical properties (such as structural, functional, and spatial information, amino acid conservation, physicochemical variation, residue mobility, and thermodynamic stability) has been performed at Invitae for this missense variant, however the output from this modeling did not meet the statistical confidence thresholds required to predict the impact of this variant on GATA2 protein function. In summary, the available evidence is currently insufficient to determine the role of this variant in disease. Therefore, it has been classified as a Variant of Uncertain Significance.